The following is an entry in ClinVar:

NM_015466.4(PTPN23):c.4074-1G>A

Gene: PTPN23 (protein tyrosine phosphatase non-receptor type 23; plus strand). Cytogenetic location: 3p21.31.
Variant type: single nucleotide variant.
Coding change: c.4074-1G>A on transcript NM_015466.4 (MANE Select); the canonical splice acceptor site of the intron before coding-DNA position 4074, G replaced by A.
Molecular consequence: splice acceptor variant.
Genome position (GRCh38, 1-based): chr3:47,412,093, G>A. VCF-style: chr3-47412093-G-A. GRCh37 (hg19) VCF-style: chr3-47453583-G-A.
Other names: c.3696-1G>A (NM_001304482.2).
Identifiers: ClinVar variation 3657389 (VCV003657389.2).

ClinVar aggregate classification (germline): Likely pathogenic (1 of 4 stars; one submission).

Submission:

Labcorp Genetics (formerly Invitae), Labcorp
Classification: Likely pathogenic. Last evaluated: 2024-06-28. Review status: criteria provided, single submitter. Criteria: Invitae Variant Classification Sherloc (09022015). Collection method: clinical testing. Allele origin: germline.
Comment: This sequence change affects an acceptor splice site in intron 21 of the PTPN23 gene. It is expected to disrupt RNA splicing. Variants that disrupt the donor or acceptor splice site typically lead to a loss of protein function (PMID: 16199547), and loss-of-function variants in PTPN23 are known to be pathogenic (PMID: 29090338, 29899372). This variant is not present in population databases (gnomAD no frequency). This variant has not been reported in the literature in individuals affected with PTPN23-related conditions. Algorithms developed to predict the effect of sequence changes on RNA splicing suggest that this variant may disrupt the consensus splice site. In summary, the currently available evidence indicates that the variant is pathogenic, but additional data are needed to prove that conclusively. Therefore, this variant has been classified as Likely Pathogenic.

Literature cited by the submitters: PubMed 16199547; PubMed 29090338; PubMed 29899372.